The following is an entry in ClinVar:

ClinVar aggregate classification (germline): Uncertain significance (1 of 4 stars; one submission).

Conditions:
Long QT syndrome (LQTS). Identifiers: MedGen C0023976, MeSH D008133, MONDO:0002442. Disease mechanism: loss of function. Inheritance: Various modes of inheritance.

Submission:

Labcorp Genetics (formerly Invitae), Labcorp
Classification: Uncertain significance for Long QT syndrome. Last evaluated: 2025-12-21. Review status: criteria provided, single submitter. Criteria: Invitae Variant Classification Sherloc (09022015). Collection method: clinical testing. Allele origin: germline.
Comment: This sequence change replaces glycine, which is neutral and non-polar, with arginine, which is basic and polar, at codon 3745 of the AKAP9 protein (p.Gly3745Arg). This variant is not present in population databases (gnomAD no frequency). This variant has not been reported in the literature in individuals affected with AKAP9-related conditions. An algorithm developed to predict the effect of missense changes on protein structure and function (PolyPhen-2) suggests that this variant is likely to be disruptive. In summary, the available evidence is currently insufficient to determine the role of this variant in disease. Therefore, it has been classified as a Variant of Uncertain Significance.

NM_005751.5(AKAP9):c.11233G>A (p.Gly3745Arg)

Gene: AKAP9 (A-kinase anchoring protein 9; plus strand). Cytogenetic location: 7q21.2.
Variant type: single nucleotide variant.
Coding change: c.11233G>A on transcript NM_005751.5 (MANE Select); coding-DNA position 11233, G replaced by A.
Protein change: p.Gly3745Arg; replaces glycine 3745 with arginine.
Molecular consequence: missense variant.
Genome position (GRCh38, 1-based): chr7:92,102,729, G>A. VCF-style: chr7-92102729-G-A. GRCh37 (hg19) VCF-style: chr7-91732043-G-A.
Other names: c.5878G>A, p.Gly1960Arg (NM_001379277.1); c.11209G>A, p.Gly3737Arg (NM_147185.3); short protein forms G1960R, G3745R, G3737R.
Identifiers: ClinVar variation 4733796 (VCV004733796.1).